The following is an entry in ClinVar:

NM_173689.7(CRB2):c.3355C>T (p.Arg1119Cys)

Gene: CRB2 (crumbs cell polarity complex component 2; plus strand). Cytogenetic location: 9q33.3.
Variant type: single nucleotide variant.
Coding change: c.3355C>T on transcript NM_173689.7 (MANE Select); coding-DNA position 3355, C replaced by T.
Protein change: p.Arg1119Cys; replaces arginine 1119 with cysteine.
Molecular consequence: missense variant. On other transcripts: non-coding transcript variant (1).
Genome position (GRCh38, 1-based): chr9:123,373,886, C>T. VCF-style: chr9-123373886-C-T. GRCh37 (hg19) VCF-style: chr9-126136165-C-T.
Other names: c.3355C>T (NM_173689.5); short protein forms R1119C.
Identifiers: ClinVar variation 2574851 (VCV002574851.2), dbSNP rs368543322, ClinGen allele CA5232424.

ClinVar aggregate classification (germline): Uncertain significance. Review status: criteria provided, multiple submitters, no conflicts (2 of 4 stars). 2 submissions from 2 submitters: Uncertain significance (2). Last evaluated 2023-12-08.

Conditions:
Inborn genetic diseases. Identifiers: MedGen C0950123, MeSH D030342.

Allele frequency attached by ClinVar (database versions not stated): TOPMed below 0.00001.
gnomAD v4.1: 11 of 1,548,542 alleles (0.00071%); highest among the groups gnomAD compares: South Asian, 0.0035%; no homozygotes.

Submissions (2):

Ambry Genetics
Classification: Uncertain significance for Inborn genetic diseases. Last evaluated: 2023-12-08. Review status: criteria provided, single submitter. Criteria: Ambry Variant Classification Scheme 2023. Collection method: clinical testing. Allele origin: germline.

GeneDx
Classification: Uncertain significance. Last evaluated: 2023-02-02. Review status: criteria provided, single submitter. Criteria: GeneDx Variant Classification Process June 2021. Collection method: clinical testing. Allele origin: germline. Affected: yes.
Comment: Not observed at significant frequency in large population cohorts (gnomAD); In silico analysis supports that this missense variant has a deleterious effect on protein structure/function; Has not been previously published as pathogenic or benign to our knowledge